The following is an entry in ClinVar:

ClinVar aggregate classification (germline): Uncertain significance (1 of 4 stars; one submission).

Conditions:
Aicardi-Goutieres syndrome 4. Identifiers: Orphanet 51, MedGen C1835912, MONDO:0012472, OMIM 610333.

Allele frequency attached by ClinVar (database versions not stated): gnomAD exomes below 0.00001.

Submission:

Labcorp Genetics (formerly Invitae), Labcorp
Classification: Uncertain significance for Aicardi-Goutieres syndrome 4. Last evaluated: 2021-09-01. Review status: criteria provided, single submitter. Criteria: Invitae Variant Classification Sherloc (09022015). Collection method: clinical testing. Allele origin: germline.
Comment: This sequence change replaces serine with leucine at codon 295 of the RNASEH2A protein (p.Ser295Leu). The serine residue is moderately conserved and there is a large physicochemical difference between serine and leucine. This variant is not present in population databases (ExAC no frequency). This variant has not been reported in the literature in individuals affected with RNASEH2A-related conditions. Algorithms developed to predict the effect of missense changes on protein structure and function are either unavailable or do not agree on the potential impact of this missense change (SIFT: "Deleterious"; PolyPhen-2: "Benign"; Align-GVGD: "Class C0"). In summary, the available evidence is currently insufficient to determine the role of this variant in disease. Therefore, it has been classified as a Variant of Uncertain Significance.

NM_006397.3(RNASEH2A):c.884C>T (p.Ser295Leu)

Gene: RNASEH2A (ribonuclease H2 subunit A; plus strand). Cytogenetic location: 19p13.13.
Variant type: single nucleotide variant.
Coding change: c.884C>T on transcript NM_006397.3 (MANE Select); coding-DNA position 884, C replaced by T.
Protein change: p.Ser295Leu; replaces serine 295 with leucine.
Molecular consequence: missense variant.
Genome position (GRCh38, 1-based): chr19:12,813,450, C>T. VCF-style: chr19-12813450-C-T. GRCh37 (hg19) VCF-style: chr19-12924264-C-T.
Other names: short protein forms S295L.
Identifiers: ClinVar variation 1038694 (VCV001038694.6), dbSNP rs1969105528, ClinGen allele CA404270099.
Genomic context (GRCh38, chr19:12,813,450, plus strand): 5'-AAGGGTCCCAAGCCCGTCCCCGTTCTTCCCACCGATATTTCCTGGAACGCGGCCTGGAGT[C>T]AGCAACCAGCCTCTAGCAGCTGCCTCTACGCGCTCTACCTGCTTCCCCAACCCAGACATT-3'
Protein context (NP_006388.2, residues 285-299): HRYFLERGLE[Ser295Leu]ATSL